The following is an entry in ClinVar:

NM_001395159.1(UNC79):c.3191-2A>C

Gene: UNC79 (unc-79 subunit of NALCN channel complex; plus strand). Cytogenetic location: 14q32.12.
Variant type: single nucleotide variant.
Coding change: c.3191-2A>C on transcript NM_001395159.1 (MANE Select); the canonical splice acceptor site of the intron before coding-DNA position 3191, A replaced by C.
Molecular consequence: splice acceptor variant.
Genome position (GRCh38, 1-based): chr14:93,597,357, A>C. VCF-style: chr14-93597357-A-C. GRCh37 (hg19) VCF-style: chr14-94063703-A-C.
Other names: c.2660-2A>C (NM_020818.5); c.3191-2A>C (NM_001346218.2).
Identifiers: ClinVar variation 4730260 (VCV004730260.1).

ClinVar aggregate classification (germline): Likely pathogenic (1 of 4 stars; one submission).

Submission:

Labcorp Genetics (formerly Invitae), Labcorp
Classification: Likely pathogenic. Last evaluated: 2025-11-03. Review status: criteria provided, single submitter. Criteria: Invitae Variant Classification Sherloc (09022015). Collection method: clinical testing. Allele origin: germline.
Comment: This sequence change affects an acceptor splice site in intron 23 of the UNC79 gene. It is expected to disrupt RNA splicing. Variants that disrupt the donor or acceptor splice site typically lead to a loss of protein function (PMID: 16199547), and loss-of-function variants in UNC79 are known to be pathogenic (PMID: 37183800, 28867142). This variant is not present in population databases (gnomAD no frequency). This variant has not been reported in the literature in individuals affected with UNC79-related conditions. Algorithms developed to predict the effect of sequence changes on RNA splicing suggest that this variant may disrupt the consensus splice site. In summary, the currently available evidence indicates that the variant is pathogenic, but additional data are needed to prove that conclusively. Therefore, this variant has been classified as Likely Pathogenic.

Literature cited by the submitters: PubMed 16199547; PubMed 37183800; PubMed 28867142.